The following is an entry in ClinVar:

NM_198076.6(COX20):c.234G>A (p.Arg78=)

Gene: COX20 (cytochrome c oxidase assembly factor COX20; plus strand). Cytogenetic location: 1q44.
Variant type: single nucleotide variant.
Coding change: c.234G>A on transcript NM_198076.6 (MANE Select); coding-DNA position 234, G replaced by A.
Protein change: p.Arg78=; no amino-acid change (arginine 78 retained).
Molecular consequence: synonymous variant. On other transcripts: 3 prime UTR variant (1), non-coding transcript variant (3).
Genome position (GRCh38, 1-based): chr1:244,843,053, G>A. VCF-style: chr1-244843053-G-A. GRCh37 (hg19) VCF-style: chr1-245006355-G-A.
Other names: c.234G>A, p.Arg78= (NM_001312871.1); c.270G>A, p.Arg90= (NM_001312872.1); c.99G>A, p.Arg33= (NM_001312873.1); c.*44G>A (NM_001312874.1).
Identifiers: ClinVar variation 389619 (VCV000389619.2), dbSNP rs747702163, ClinGen allele CA1486174.

ClinVar aggregate classification (germline): Likely benign. Review status: criteria provided, multiple submitters, no conflicts (2 of 4 stars). 2 submissions from 2 submitters: Likely benign (2). Last evaluated 2025-06-30.

Allele frequency attached by ClinVar (database versions not stated): gnomAD exomes 0.00002; ExAC 0.00005; TOPMed 0.00006.
gnomAD v4.1: 29 of 1,569,412 alleles (0.0018%); highest among the groups gnomAD compares: East Asian, 0.034%; no homozygotes.

Submissions (2):

Labcorp Genetics (formerly Invitae), Labcorp
Classification: Likely benign. Last evaluated: 2025-06-30. Review status: criteria provided, single submitter. Criteria: Invitae Variant Classification Sherloc (09022015). Collection method: clinical testing. Allele origin: germline.

GeneDx
Classification: Likely benign. Last evaluated: 2016-10-11. Review status: criteria provided, single submitter. Criteria: GeneDx Variant Classification (06012015). Collection method: clinical testing. Allele origin: germline. Affected: yes.
Comment: This variant is considered likely benign or benign based on one or more of the following criteria: it is a conservative change, it occurs at a poorly conserved position in the protein, it is predicted to be benign by multiple in silico algorithms, and/or has population frequency not consistent with disease.